The following is an entry in ClinVar:

ClinVar aggregate classification (germline): Uncertain significance (1 of 4 stars; one submission).

Conditions:
Inborn genetic diseases. Identifiers: MedGen C0950123, MeSH D030342.

Allele frequency attached by ClinVar (database versions not stated): ExAC 0.00002; gnomAD 0.00003; ESP Exome Variant Server 0.00015.
gnomAD v4.1: 16 of 1,485,992 alleles (0.0011%); highest among the groups gnomAD compares: African/African-American, 0.0089%; no homozygotes.

Submission:

Ambry Genetics
Classification: Uncertain significance for Inborn genetic diseases. Last evaluated: 2022-06-15. Review status: criteria provided, single submitter. Criteria: Ambry Variant Classification Scheme 2023. Collection method: clinical testing. Allele origin: germline.
Comment: The p.E78Q variant (also known as c.232G>C), located in coding exon 3 of the EPAS1 gene, results from a G to C substitution at nucleotide position 232. The glutamic acid at codon 78 is replaced by glutamine, an amino acid with highly similar properties. This amino acid position is conserved. In addition, this alteration is predicted to be tolerated by in silico analysis. Since supporting evidence is limited at this time, the clinical significance of this alteration remains unclear.

NM_001430.5(EPAS1):c.232G>C (p.Glu78Gln)

Gene: EPAS1 (endothelial PAS domain protein 1; plus strand). Cytogenetic location: 2p21.
Variant type: single nucleotide variant.
Coding change: c.232G>C on transcript NM_001430.5 (MANE Select); coding-DNA position 232, G replaced by C.
Protein change: p.Glu78Gln; replaces glutamic acid 78 with glutamine.
Molecular consequence: missense variant.
Genome position (GRCh38, 1-based): chr2:46,356,165, G>C. VCF-style: chr2-46356165-G-C. GRCh37 (hg19) VCF-style: chr2-46583304-G-C.
Other names: short protein forms E78Q.
Identifiers: ClinVar variation 1789703 (VCV001789703.2), dbSNP rs370125133, ClinGen allele CA1644584.